The following is an entry in ClinVar:

ClinVar aggregate classification (germline): Uncertain significance (1 of 4 stars; one submission).

Conditions:
Primary ciliary dyskinesia. Also called: Ciliary dyskinesia. Identifiers: Orphanet 244, MedGen C0008780, MONDO:0016575, HP:0012265.

gnomAD v4.1: 3 of 1,613,806 alleles (0.00019%); highest among the groups gnomAD compares: Non-Finnish European, 0.00017%; no homozygotes.

Submission:

Labcorp Genetics (formerly Invitae), Labcorp
Classification: Uncertain significance for Primary ciliary dyskinesia. Last evaluated: 2025-07-21. Review status: criteria provided, single submitter. Criteria: Invitae Variant Classification Sherloc (09022015). Collection method: clinical testing. Allele origin: germline.
Comment: This sequence change replaces isoleucine, which is neutral and non-polar, with methionine, which is neutral and non-polar, at codon 1263 of the DNAH5 protein (p.Ile1263Met). This variant is present in population databases (rs757689131, gnomAD 0.0009%). This variant has not been reported in the literature in individuals affected with DNAH5-related conditions. Invitae Evidence Modeling of protein sequence and biophysical properties (such as structural, functional, and spatial information, amino acid conservation, physicochemical variation, residue mobility, and thermodynamic stability) indicates that this missense variant is not expected to disrupt DNAH5 protein function with a negative predictive value of 95%. In summary, the available evidence is currently insufficient to determine the role of this variant in disease. Therefore, it has been classified as a Variant of Uncertain Significance.

NM_001369.3(DNAH5):c.3789A>G (p.Ile1263Met)

Genes: DNAH5 (dynein axonemal heavy chain 5; minus strand), DNAH5-AS1 (DNAH5 antisense RNA 1; plus strand). Cytogenetic location: 5p15.2.
Variant type: single nucleotide variant.
Coding change: c.3789A>G on transcript NM_001369.3 (MANE Select); coding-DNA position 3789, A replaced by G.
Protein change: p.Ile1263Met; replaces isoleucine 1263 with methionine.
Molecular consequence: missense variant.
Genome position (GRCh38, 1-based): chr5:13,870,812, T>C on the plus strand (A>G on the coding strand, the complement: DNAH5 is on the minus strand). VCF-style: chr5-13870812-T-C. GRCh37 (hg19) VCF-style: chr5-13870921-T-C.
Other names: short protein forms I1263M.
Identifiers: ClinVar variation 4696945 (VCV004696945.1).